The following is an entry in ClinVar:

ClinVar aggregate classification (germline): Likely benign (0 of 4 stars; one submission).

Conditions:
MAN1C1-related disorder. Also called: MAN1C1-related condition.

Allele frequency attached by ClinVar (database versions not stated): gnomAD 0.00001; gnomAD exomes 0.00001; TOPMed 0.00001.
gnomAD v4.1: 5 of 1,614,096 alleles (0.00031%); highest among the groups gnomAD compares: Admixed American, 0.0033%; no homozygotes.

Submission:

PreventionGenetics, part of Exact Sciences
Classification: Likely benign for MAN1C1-related condition. Last evaluated: 2019-06-12. Review status: no assertion criteria provided. Collection method: clinical testing. Allele origin: germline.
Comment: This variant is classified as likely benign based on ACMG/AMP sequence variant interpretation guidelines (Richards et al. 2015 PMID: 25741868, with internal and published modifications).

NM_020379.4(MAN1C1):c.1524G>A (p.Glu508=)

Gene: MAN1C1 (mannosidase alpha class 1C member 1; plus strand). Cytogenetic location: 1p36.11.
Variant type: single nucleotide variant.
Coding change: c.1524G>A on transcript NM_020379.4 (MANE Select); coding-DNA position 1524, G replaced by A.
Protein change: p.Glu508=; no amino-acid change (glutamic acid 508 retained).
Molecular consequence: synonymous variant.
Genome position (GRCh38, 1-based): chr1:25,780,986, G>A. VCF-style: chr1-25780986-G-A. GRCh37 (hg19) VCF-style: chr1-26107477-G-A.
Other names: c.1524G>A, p.Glu508= (NM_001289010.2); c.1626G>A, p.Glu542= (NM_001385182.1); c.1596G>A, p.Glu532= (NM_001385183.1); c.1020G>A, p.Glu340= (NM_001385184.1); c.837G>A, p.Glu279= (NM_001385185.1).
Identifiers: ClinVar variation 3033473 (VCV003033473.2), dbSNP rs1228948770, ClinGen allele CA416757207.